The following is an entry in ClinVar:

NM_005591.4(MRE11):c.1204A>G (p.Arg402Gly)

Gene: MRE11 (MRE11 double strand break repair nuclease; minus strand). Cytogenetic location: 11q21.
Variant type: single nucleotide variant.
Coding change: c.1204A>G on transcript NM_005591.4 (MANE Select); coding-DNA position 1204, A replaced by G.
Protein change: p.Arg402Gly; replaces arginine 402 with glycine.
Molecular consequence: missense variant.
Genome position (GRCh38, 1-based): chr11:94,464,134, T>C on the plus strand (A>G on the coding strand, the complement: MRE11 is on the minus strand). VCF-style: chr11-94464134-T-C. GRCh37 (hg19) VCF-style: chr11-94197300-T-C.
Other names: c.1204A>G, p.Arg402Gly (NM_001330347.2, NM_005590.4); short protein forms R402G.
Identifiers: ClinVar variation 941983 (VCV000941983.13), dbSNP rs1946496508, ClinGen allele CA382372710.

ClinVar aggregate classification (germline): Uncertain significance. Review status: criteria provided, multiple submitters, no conflicts (2 of 4 stars). 2 submissions from 2 submitters: Uncertain significance (2). Last evaluated 2025-09-22.

Conditions:
Ataxia-telangiectasia-like disorder (ATLD). Identifiers: MedGen C1858391, MONDO:0011457.
Hereditary cancer-predisposing syndrome. Also called: Hereditary neoplastic syndrome; Neoplastic Syndromes, Hereditary; Tumor predisposition; Hereditary Cancer Syndrome. Identifiers: Orphanet 140162, MedGen C0027672, MeSH D009386, MONDO:0015356.

Allele frequency attached by ClinVar (database versions not stated): gnomAD exomes below 0.00001; TOPMed below 0.00001.
gnomAD v4.1: 2 of 1,613,800 alleles (0.00012%); highest among the groups gnomAD compares: Non-Finnish European, 0.00017%; no homozygotes.

Submissions (2):

Ambry Genetics
Classification: Uncertain significance for Hereditary cancer-predisposing syndrome. Last evaluated: 2025-09-22. Review status: criteria provided, single submitter. Criteria: Ambry Variant Classification Scheme 2023. Collection method: clinical testing. Allele origin: germline.
Comment: The p.R402G variant (also known as c.1204A>G), located in coding exon 10 of the MRE11A gene, results from an A to G substitution at nucleotide position 1204. The arginine at codon 402 is replaced by glycine, an amino acid with dissimilar properties. This amino acid position is well conserved in available vertebrate species. In addition, the in silico prediction for this alteration is inconclusive. Since supporting evidence is limited at this time, the clinical significance of this alteration remains unclear.

Labcorp Genetics (formerly Invitae), Labcorp
Classification: Uncertain significance for Ataxia-telangiectasia-like disorder. Last evaluated: 2019-09-19. Review status: criteria provided, single submitter. Criteria: Invitae Variant Classification Sherloc (09022015). Collection method: clinical testing. Allele origin: germline.
Comment: This sequence change replaces arginine with glycine at codon 402 of the MRE11 protein (p.Arg402Gly). The arginine residue is moderately conserved and there is a moderate physicochemical difference between arginine and glycine. In summary, the available evidence is currently insufficient to determine the role of this variant in disease. Therefore, it has been classified as a Variant of Uncertain Significance. Algorithms developed to predict the effect of missense changes on protein structure and function are either unavailable or do not agree on the potential impact of this missense change (SIFT: "Deleterious"; PolyPhen-2: "Possibly Damaging"; Align-GVGD: "Class C0"). This variant has not been reported in the literature in individuals with MRE11-related conditions. This variant is not present in population databases (ExAC no frequency).